The following is an entry in ClinVar:

NM_001148.6(ANK2):c.1814A>G (p.His605Arg)

Gene: ANK2 (ankyrin 2; plus strand). Cytogenetic location: 4q26.
Variant type: single nucleotide variant.
Coding change: c.1814A>G on transcript NM_001148.6 (MANE Select); coding-DNA position 1814, A replaced by G.
Protein change: p.His605Arg; replaces histidine 605 with arginine.
Molecular consequence: missense variant. On other transcripts: intron variant (10).
Genome position (GRCh38, 1-based): chr4:113,278,491, A>G. VCF-style: chr4-113278491-A-G. GRCh37 (hg19) VCF-style: chr4-114199647-A-G.
Other names: c.1751A>G, p.His584Arg (NM_001127493.3, NM_001354239.2, NM_001354243.2 and 10 more transcripts); c.1814A>G, p.His605Arg (NM_001354225.2, NM_001354228.2, NM_001354232.2 and 6 more transcripts); c.1859A>G, p.His620Arg (NM_001354230.2, NM_001354231.2, NM_001354237.2 and 5 more transcripts); c.1727A>G, p.His576Arg (NM_001354249.2, NM_001354264.2, NM_001354266.2 and 10 more transcripts); c.1772A>G, p.His591Arg (NM_001354261.2, NM_001386147.1, NM_001386160.1); c.1604A>G, p.His535Arg (NM_001354269.3); c.1616A>G, p.His539Arg (NM_001354273.2); c.1529A>G, p.His510Arg (NM_001354277.2, NM_001386157.1); and 8 more; short protein forms H591R, H605R, H539R, H620R, H576R, H510R, H535R, H584R.
Identifiers: ClinVar variation 846988 (VCV000846988.6), dbSNP rs2061066852, ClinGen allele CA357911993.

ClinVar aggregate classification (germline): Uncertain significance (1 of 4 stars; one submission).

Conditions:
Long QT syndrome (LQTS). Identifiers: MedGen C0023976, MeSH D008133, MONDO:0002442. Disease mechanism: loss of function. Inheritance: Various modes of inheritance.

Submission:

Labcorp Genetics (formerly Invitae), Labcorp
Classification: Uncertain significance for Long QT syndrome. Last evaluated: 2024-09-23. Review status: criteria provided, single submitter. Criteria: Invitae Variant Classification Sherloc (09022015). Collection method: clinical testing. Allele origin: germline.
Comment: This sequence change replaces histidine, which is basic and polar, with arginine, which is basic and polar, at codon 605 of the ANK2 protein (p.His605Arg). This variant is not present in population databases (gnomAD no frequency). This variant has not been reported in the literature in individuals affected with ANK2-related conditions. ClinVar contains an entry for this variant (Variation ID: 846988). Invitae Evidence Modeling of protein sequence and biophysical properties (such as structural, functional, and spatial information, amino acid conservation, physicochemical variation, residue mobility, and thermodynamic stability) indicates that this missense variant is expected to disrupt ANK2 protein function with a positive predictive value of 80%. In summary, the available evidence is currently insufficient to determine the role of this variant in disease. Therefore, it has been classified as a Variant of Uncertain Significance.